The following is an entry in ClinVar:

NM_001374259.2(IL12RB2):c.4G>A (p.Ala2Thr)

Gene: IL12RB2 (interleukin 12 receptor subunit beta 2; plus strand). Cytogenetic location: 1p31.3.
Variant type: single nucleotide variant.
Coding change: c.4G>A on transcript NM_001374259.2 (MANE Select); coding-DNA position 4, G replaced by A.
Protein change: p.Ala2Thr; replaces alanine 2 with threonine.
Molecular consequence: missense variant. On other transcripts: non-coding transcript variant (2).
Genome position (GRCh38, 1-based): chr1:67,320,372, G>A. VCF-style: chr1-67320372-G-A. GRCh37 (hg19) VCF-style: chr1-67786055-G-A.
Other names: c.4G>A, p.Ala2Thr (NM_001258214.1, NM_001258215.1, NM_001258216.1 and 2 more transcripts); short protein forms A2T.
Identifiers: ClinVar variation 2970373 (VCV002970373.3), dbSNP rs2525811873, ClinGen allele CA340729767.

ClinVar aggregate classification (germline): Uncertain significance (1 of 4 stars; one submission).

Allele frequency attached by ClinVar (database versions not stated): gnomAD exomes below 0.00001.
gnomAD v4.1: 1 of 1,613,910 alleles (0.000062%); highest among the groups gnomAD compares: Non-Finnish European, 0.000085%; no homozygotes.

Submission:

Labcorp Genetics (formerly Invitae), Labcorp
Classification: Uncertain significance. Last evaluated: 2023-03-17. Review status: criteria provided, single submitter. Criteria: Invitae Variant Classification Sherloc (09022015). Collection method: clinical testing. Allele origin: germline.
Comment: In summary, the available evidence is currently insufficient to determine the role of this variant in disease. Therefore, it has been classified as a Variant of Uncertain Significance. An algorithm developed to predict the effect of missense changes on protein structure and function (PolyPhen-2) suggests that this variant is likely to be disruptive. This variant has not been reported in the literature in individuals affected with IL12RB2-related conditions. This variant is not present in population databases (gnomAD no frequency). This sequence change replaces alanine, which is neutral and non-polar, with threonine, which is neutral and polar, at codon 2 of the IL12RB2 protein (p.Ala2Thr).